The following is an entry in ClinVar:

ClinVar aggregate classification (germline): Conflicting classifications of pathogenicity. Review status: criteria provided, conflicting classifications (1 of 4 stars). 8 submissions from 8 submitters: Uncertain significance (1); Benign (3); Likely benign (3). 1 of the submissions does not count toward it. Last evaluated 2026-06-01.

Conditions:
CNTNAP2-related disorder. Also called: CNTNAP2-related condition.
Inborn genetic diseases. Identifiers: MedGen C0950123, MeSH D030342.
Cortical dysplasia-focal epilepsy syndrome (PTHSL1). Also called: Pitt-Hopkins-like syndrome 1. Identifiers: Orphanet 163681, Orphanet 221150, MedGen C2750246, MONDO:0012400, OMIM 610042.

Allele frequency attached by ClinVar (database versions not stated): TOPMed 0.00023; 1000 Genomes Project 30x 0.00031.
gnomAD v4.1: 275 of 1,613,924 alleles (0.017%); highest among the groups gnomAD compares: Admixed American, 0.29%; no homozygotes.

Submissions (8):

CeGaT Center for Human Genetics Tuebingen
Classification: Likely benign. Last evaluated: 2026-06-01. Review status: criteria provided, single submitter. Criteria: CeGaT Center For Human Genetics Tuebingen Variant Classification Criteria Version 2. Collection method: clinical testing. Allele origin: germline. Affected: yes. Observed: 2 variant alleles.
Comment: CNTNAP2: BP4, BP7

Labcorp Genetics (formerly Invitae), Labcorp
Classification: Benign for Cortical dysplasia-focal epilepsy syndrome. Last evaluated: 2026-02-02. Review status: criteria provided, single submitter. Criteria: Invitae Variant Classification Sherloc (09022015). Collection method: clinical testing. Allele origin: germline.

ARUP Laboratories, Molecular Genetics and Genomics, ARUP Laboratories
Classification: Benign. Last evaluated: 2025-03-06. Review status: criteria provided, single submitter. Criteria: ARUP Molecular Germline Variant Investigation Process 2024. Collection method: clinical testing. Allele origin: germline.

Blueprint Genetics
Classification: Likely benign. Last evaluated: 2021-06-02. Review status: criteria provided, single submitter. Criteria: ACMG Guidelines, 2015. Collection method: clinical testing. Allele origin: germline.

Ambry Genetics
Classification: Likely benign for Inborn genetic diseases. Last evaluated: 2016-10-21. Review status: criteria provided, single submitter. Criteria: Ambry Variant Classification Scheme 2023. Collection method: clinical testing. Allele origin: germline.

Eurofins Ntd Llc (ga)
Classification: Uncertain significance. Last evaluated: 2014-12-17. Review status: criteria provided, single submitter. Criteria: EGL Classification Definitions 2015. Collection method: clinical testing. Allele origin: germline. Observed: 1 variant allele, 1 heterozygote.

GeneDx
Classification: Benign. Last evaluated: 2014-01-16. Review status: criteria provided, single submitter. Criteria: GeneDx Variant Classification (06012015). Collection method: clinical testing. Allele origin: germline. Affected: yes.
Comment: This variant is considered likely benign or benign based on one or more of the following criteria: it is a conservative change, it occurs at a poorly conserved position in the protein, it is predicted to be benign by multiple in silico algorithms, and/or has population frequency not consistent with disease.

PreventionGenetics, part of Exact Sciences
Classification: Likely benign for CNTNAP2-related condition. Last evaluated: 2019-06-06. Review status: no assertion criteria provided. Collection method: clinical testing. Allele origin: germline. Not counted in ClinVar's aggregate classification.
Comment: This variant is classified as likely benign based on ACMG/AMP sequence variant interpretation guidelines (Richards et al. 2015 PMID: 25741868, with internal and published modifications).

NM_014141.6(CNTNAP2):c.3678C>T (p.Ser1226=)

Gene: CNTNAP2 (contactin associated protein 2; plus strand). Cytogenetic location: 7q36.1.
Variant type: single nucleotide variant.
Coding change: c.3678C>T on transcript NM_014141.6 (MANE Select); coding-DNA position 3678, C replaced by T.
Protein change: p.Ser1226=; no amino-acid change (serine 1226 retained).
Molecular consequence: synonymous variant.
Genome position (GRCh38, 1-based): chr7:148,383,851, C>T. VCF-style: chr7-148383851-C-T. GRCh37 (hg19) VCF-style: chr7-148080943-C-T.
Other names: p.S1226S:TCC>TCT.
Identifiers: ClinVar variation 136832 (VCV000136832.26), dbSNP rs201219937, ClinGen allele CA232467.
Genomic context (GRCh38, chr7:148,383,851, plus strand): 5'-GGGCGAGCTGGTGGAGTCCAACTGCGGGGCCTCGCCGCTGACCCTCTCCCCCATGTCGTC[C>T]GCCACCGACCCCTGGCACCTGGATCACCTGGATTCAGGTAAAGTCTTCAGCAACCTCAGG-3'
Protein context (NP_054860.1, residues 1216-1236): ASPLTLSPMS[Ser1226=]ATDPWHLDHL